The following is an entry in ClinVar:

ClinVar aggregate classification (germline): Uncertain significance (1 of 4 stars; one submission).

Conditions:
Arrhythmogenic right ventricular cardiomyopathy (ARVD). Also called: Arrhythmogenic right ventricular dysplasia; Cardiomyopathy, ARVC; Arrhythmogenic cardiomyopathy; Arrhythmogenic Right Ventricular Cardiomyopathy (ARVC). Identifiers: Orphanet 247, MedGen C0349788, MeSH D019571, MONDO:0016587. Disease mechanism: loss of function. Inheritance: Various modes of inheritance.

Allele frequency attached by ClinVar (database versions not stated): gnomAD exomes below 0.00001.
gnomAD v4.1: 2 of 1,614,090 alleles (0.00012%); highest among the groups gnomAD compares: Non-Finnish European, 0.00017%; no homozygotes.

Submission:

All of Us Research Program, National Institutes of Health
Classification: Uncertain significance for Arrhythmogenic right ventricular cardiomyopathy. Last evaluated: 2023-05-16. Review status: criteria provided, single submitter. Criteria: ACMG Guidelines, 2015. Collection method: clinical testing. Allele origin: germline. Inheritance: Autosomal dominant inheritance. Observed: 2 variant alleles, 2 heterozygotes.
Comment: This missense variant replaces serine with phenylalanine at codon 712 of the DSG2 protein. Computational prediction suggests that this variant may not impact protein structure and function (internally defined REVEL score threshold <= 0.5, PMID: 27666373). To our knowledge, functional studies have not been reported for this variant. This variant has not been reported in individuals affected with DSG2-related disorders in the literature. This variant has been identified in 1/249432 chromosomes in the general population by the Genome Aggregation Database (gnomAD). The available evidence is insufficient to determine the role of this variant in disease conclusively. Therefore, this variant is classified as a Variant of Uncertain Significance.

This study involves interpretation of variants in research participants for the purpose of population health screening. Participant phenotype was not available at the time of variant classification. Additional details can be found in publication PMID: 35346344, PMCID: PMC8962531

NM_001943.5(DSG2):c.2135C>T (p.Ser712Phe)

Genes: DSG2 (desmoglein 2; plus strand), DSG2-AS1 (DSG2 antisense RNA 1; minus strand). Cytogenetic location: 18q12.1.
Variant type: single nucleotide variant.
Coding change: c.2135C>T on transcript NM_001943.5 (MANE Select); coding-DNA position 2135, C replaced by T.
Protein change: p.Ser712Phe; replaces serine 712 with phenylalanine.
Molecular consequence: missense variant.
Genome position (GRCh38, 1-based): chr18:31,542,653, C>T. VCF-style: chr18-31542653-C-T. GRCh37 (hg19) VCF-style: chr18-29122616-C-T.
Other names: short protein forms S712F.
Identifiers: ClinVar variation 3071208 (VCV003071208.1), dbSNP rs1567933027, ClinGen allele CA402142012.